The following is an entry in ClinVar:

ClinVar aggregate classification (germline): Uncertain significance (1 of 4 stars; one submission).

Submission:

Labcorp Genetics (formerly Invitae), Labcorp
Classification: Uncertain significance. Last evaluated: 2024-06-10. Review status: criteria provided, single submitter. Criteria: Invitae Variant Classification Sherloc (09022015). Collection method: clinical testing. Allele origin: germline.
Comment: This sequence change replaces leucine, which is neutral and non-polar, with proline, which is neutral and non-polar, at codon 1127 of the RNF213 protein (p.Leu1127Pro). This variant is not present in population databases (gnomAD no frequency). This variant has not been reported in the literature in individuals affected with RNF213-related conditions. Algorithms developed to predict the effect of missense changes on protein structure and function output the following: SIFT: "Not Available"; PolyPhen-2: "Benign"; Align-GVGD: "Not Available". The proline amino acid residue is found in multiple mammalian species, which suggests that this missense change does not adversely affect protein function. In summary, the available evidence is currently insufficient to determine the role of this variant in disease. Therefore, it has been classified as a Variant of Uncertain Significance.

NM_001256071.3(RNF213):c.3380T>C (p.Leu1127Pro)

Gene: RNF213 (ring finger protein 213; plus strand). Cytogenetic location: 17q25.3.
Variant type: single nucleotide variant.
Coding change: c.3380T>C on transcript NM_001256071.3 (MANE Select); coding-DNA position 3380, T replaced by C.
Protein change: p.Leu1127Pro; replaces leucine 1127 with proline.
Molecular consequence: missense variant.
Genome position (GRCh38, 1-based): chr17:80,328,340, T>C. VCF-style: chr17-80328340-T-C. GRCh37 (hg19) VCF-style: chr17-78302140-T-C.
Other names: c.3527T>C, p.Leu1176Pro (NM_001410195.1, NM_020914.5); short protein forms L1127P, L1176P.
Identifiers: ClinVar variation 3655603 (VCV003655603.2).